The following is an entry in ClinVar:

NM_000158.4(GBE1):c.649A>G (p.Lys217Glu)

Gene: GBE1 (1,4-alpha-glucan branching enzyme 1; minus strand). Cytogenetic location: 3p12.2.
Variant type: single nucleotide variant.
Coding change: c.649A>G on transcript NM_000158.4 (MANE Select); coding-DNA position 649, A replaced by G.
Protein change: p.Lys217Glu; replaces lysine 217 with glutamic acid.
Molecular consequence: missense variant.
Genome position (GRCh38, 1-based): chr3:81,648,898, T>C on the plus strand (A>G on the coding strand, the complement: GBE1 is on the minus strand). VCF-style: chr3-81648898-T-C. GRCh37 (hg19) VCF-style: chr3-81698049-T-C.
Other names: short protein forms K217E.
Identifiers: ClinVar variation 2633595 (VCV002633595.1), dbSNP rs2471826187, ClinGen allele CA353688304.

ClinVar aggregate classification (germline): Uncertain significance (1 of 4 stars; one submission).

Conditions:
GBE1-related disorder. Also called: GBE1-related condition; GBE1-related disorders. Identifiers: MedGen CN239402.

Submission:

PreventionGenetics, part of Exact Sciences
Classification: Uncertain significance for GBE1-related condition. Last evaluated: 2023-04-03. Review status: criteria provided, single submitter. Criteria: ACMG Guidelines, 2015. Collection method: clinical testing. Allele origin: germline.
Comment: The GBE1 c.649A>G variant is predicted to result in the amino acid substitution p.Lys217Glu. To our knowledge, this variant has not been reported in the literature or in a large population database, indicating this variant is rare. At this time, the clinical significance of this variant is uncertain due to the absence of conclusive functional and genetic evidence.